The following is an entry in ClinVar:

ClinVar aggregate classification (germline): Benign (1 of 4 stars; one submission).

Allele frequency attached by ClinVar (database versions not stated): TOPMed 0.99387; gnomAD 0.99411 and 0.99457; 1000 Genomes Project 30x 0.99516; 1000 Genomes Project 0.99521.
gnomAD v4.1: 151,501 of 152,316 alleles (99%); highest among the groups gnomAD compares: East Asian, 100%; 75,349 homozygotes.

Submission:

GeneDx
Classification: Benign. Last evaluated: 2018-06-14. Review status: criteria provided, single submitter. Criteria: GeneDx Variant Classification (06012015). Collection method: clinical testing. Allele origin: germline. Affected: yes.
Comment: This variant is considered likely benign or benign based on one or more of the following criteria: it is a conservative change, it occurs at a poorly conserved position in the protein, it is predicted to be benign by multiple in silico algorithms, and/or has population frequency not consistent with disease.

NM_000090.4(COL3A1):c.2283+219C>T

Gene: COL3A1 (collagen type III alpha 1 chain; plus strand). Cytogenetic location: 2q32.2.
Variant type: single nucleotide variant.
Coding change: c.2283+219C>T on transcript NM_000090.4 (MANE Select); 219 bases into the intron after coding-DNA position 2283, C replaced by T.
Molecular consequence: intron variant.
Genome position (GRCh38, 1-based): chr2:189,000,114, C>T. VCF-style: chr2-189000114-C-T. GRCh37 (hg19) VCF-style: chr2-189864840-C-T.
Identifiers: ClinVar variation 672236 (VCV000672236.1), dbSNP rs3134653, ClinGen allele CA62555001.